The following is an entry in ClinVar:

ClinVar aggregate classification (germline): Uncertain significance (1 of 4 stars; one submission).

Conditions:
Hereditary cancer-predisposing syndrome. Also called: Neoplastic Syndromes, Hereditary; Tumor predisposition; Hereditary Cancer Syndrome; Hereditary neoplastic syndrome. Identifiers: Orphanet 140162, MedGen C0027672, MeSH D009386, MONDO:0015356.

Submission:

Ambry Genetics
Classification: Uncertain significance for Hereditary cancer-predisposing syndrome. Last evaluated: 2025-08-19. Review status: criteria provided, single submitter. Criteria: Ambry Variant Classification Scheme 2023. Collection method: clinical testing. Allele origin: germline.
Comment: The p.R1106S variant (also known as c.3318G>C), located in coding exon 22 of the ATM gene, results from a G to C substitution at nucleotide position 3318. The arginine at codon 1106 is replaced by serine, an amino acid with dissimilar properties. This amino acid position is conserved. In addition, this alteration is predicted to be tolerated by in silico analysis. Based on the available evidence, the clinical significance of this variant remains unclear.

NM_000051.4(ATM):c.3318G>C (p.Arg1106Ser)

Gene: ATM (ATM serine/threonine kinase; plus strand). Cytogenetic location: 11q22.3.
Variant type: single nucleotide variant.
Coding change: c.3318G>C on transcript NM_000051.4 (MANE Select); coding-DNA position 3318, G replaced by C.
Protein change: p.Arg1106Ser; replaces arginine 1106 with serine.
Molecular consequence: missense variant.
Genome position (GRCh38, 1-based): chr11:108,279,524, G>C. VCF-style: chr11-108279524-G-C. GRCh37 (hg19) VCF-style: chr11-108150251-G-C.
Other names: c.3318G>C, p.Arg1106Ser (NM_001351834.2); short protein forms R1106S.
Identifiers: ClinVar variation 4170128 (VCV004170128.1).
Genomic context (GRCh38, chr11:108,279,524, plus strand): 5'-TTTGTTTGTTTGCTTGCTTGTTTTAAGATTGTTCCAGGACACGAAGGGAGATTCTTCCAG[G>C]TTACTGAAAGCACTTCCTTTGAAGCTTCAGCAAACAGCTTTTGAAAATGCATACTTGAAA-3'
Protein context (NP_000042.3, residues 1096-1116): LFQDTKGDSS[Arg1106Ser]LLKALPLKLQ